The following is an entry in ClinVar:

ClinVar aggregate classification (germline): Uncertain significance (1 of 4 stars; one submission).

Allele frequency attached by ClinVar (database versions not stated): gnomAD exomes below 0.00001; ExAC 0.00003.
gnomAD v4.1: 1 of 1,594,882 alleles (0.000063%); highest among the groups gnomAD compares: South Asian, 0.0011%; no homozygotes.

Submission:

Ambry Genetics
Classification: Uncertain significance. Last evaluated: 2022-12-16. Review status: criteria provided, single submitter. Criteria: Ambry Variant Classification Scheme 2023. Collection method: clinical testing. Allele origin: germline.
Comment: The p.S156N variant (also known as c.467G>A), located in coding exon 1 of the TERF2IP gene, results from a G to A substitution at nucleotide position 467. The serine at codon 156 is replaced by asparagine, an amino acid with highly similar properties. This amino acid position is conserved. In addition, this alteration is predicted to be tolerated by in silico analysis. Since supporting evidence is limited at this time, the clinical significance of this alteration remains unclear.

NM_018975.4(TERF2IP):c.467G>A (p.Ser156Asn)

Gene: TERF2IP (TERF2 interacting protein; plus strand). Cytogenetic location: 16q23.1.
Variant type: single nucleotide variant.
Coding change: c.467G>A on transcript NM_018975.4 (MANE Select); coding-DNA position 467, G replaced by A.
Protein change: p.Ser156Asn; replaces serine 156 with asparagine.
Molecular consequence: missense variant. On other transcripts: non-coding transcript variant (1).
Genome position (GRCh38, 1-based): chr16:75,648,349, G>A. VCF-style: chr16-75648349-G-A. GRCh37 (hg19) VCF-style: chr16-75682247-G-A.
Other names: short protein forms S156N.
Identifiers: ClinVar variation 2497030 (VCV002497030.2), dbSNP rs770718613, ClinGen allele CA8177996.